The following is an entry in ClinVar:

ClinVar aggregate classification (germline): Uncertain significance (1 of 4 stars; one submission).

Conditions:
Cardiovascular phenotype. Identifiers: MedGen CN230736.

Submission:

Ambry Genetics
Classification: Uncertain significance for Cardiovascular phenotype. Last evaluated: 2022-12-06. Review status: criteria provided, single submitter. Criteria: Ambry Variant Classification Scheme 2023. Collection method: clinical testing. Allele origin: germline.
Comment: The p.P492S variant (also known as c.1474C>T), located in coding exon 24 of the TRDN gene, results from a C to T substitution at nucleotide position 1474. The proline at codon 492 is replaced by serine, an amino acid with similar properties. This amino acid position is conserved. In addition, this alteration is predicted to be tolerated by in silico analysis. Since supporting evidence is limited at this time, the clinical significance of this alteration remains unclear.

NM_006073.4(TRDN):c.1474C>T (p.Pro492Ser)

Gene: TRDN (triadin; minus strand). Cytogenetic location: 6q22.31.
Variant type: single nucleotide variant.
Coding change: c.1474C>T on transcript NM_006073.4 (MANE Select); coding-DNA position 1474, C replaced by T.
Protein change: p.Pro492Ser; replaces proline 492 with serine.
Molecular consequence: missense variant.
Genome position (GRCh38, 1-based): chr6:123,316,493, G>A on the plus strand (C>T on the coding strand, the complement: TRDN is on the minus strand). VCF-style: chr6-123316493-G-A. GRCh37 (hg19) VCF-style: chr6-123637638-G-A.
Other names: short protein forms P492S.
Identifiers: ClinVar variation 2447975 (VCV002447975.2), dbSNP rs893738633, ClinGen allele CA147242616.